The following is an entry in ClinVar:

NM_133259.4(LRPPRC):c.2981G>C (p.Arg994Thr)

Gene: LRPPRC (leucine rich pentatricopeptide repeat containing; minus strand). Cytogenetic location: 2p21.
Variant type: single nucleotide variant.
Coding change: c.2981G>C on transcript NM_133259.4 (MANE Select); coding-DNA position 2981, G replaced by C.
Protein change: p.Arg994Thr; replaces arginine 994 with threonine.
Molecular consequence: missense variant.
Genome position (GRCh38, 1-based): chr2:43,918,314, C>G on the plus strand (G>C on the coding strand, the complement: LRPPRC is on the minus strand). VCF-style: chr2-43918314-C-G. GRCh37 (hg19) VCF-style: chr2-44145453-C-G.
Other names: short protein forms R994T.
Identifiers: ClinVar variation 426849 (VCV000426849.10), dbSNP rs912716897, ClinGen allele CA46441867.

ClinVar aggregate classification (germline): Uncertain significance. Review status: criteria provided, multiple submitters, no conflicts (2 of 4 stars). 4 submissions from 4 submitters: Uncertain significance (4). Last evaluated 2023-01-30.

Conditions:
Congenital lactic acidosis, Saguenay-Lac-Saint-Jean type (MC4DN5). Also called: MITOCHONDRIAL COMPLEX IV DEFICIENCY, NUCLEAR TYPE 5; CYTOCHROME c OXIDASE DEFICIENCY, FRENCH CANADIAN TYPE; COX DEFICIENCY, FRENCH CANADIAN TYPE. Identifiers: Orphanet 70472, MedGen C1857355, MONDO:0009069, OMIM 220111.
LRPPRC-related disorder. Also called: LRPPRC-related condition.

Submissions (4):

PreventionGenetics, part of Exact Sciences
Classification: Uncertain significance for LRPPRC-related condition. Last evaluated: 2023-01-30. Review status: criteria provided, single submitter. Criteria: ACMG Guidelines, 2015. Collection method: clinical testing. Allele origin: germline.
Comment: The LRPPRC c.2981G>C variant is predicted to result in the amino acid substitution p.Arg994Thr. To our knowledge, this variant has not been reported in the literature or in a large population database, indicating this variant is rare. At this time, the clinical significance of this variant is uncertain due to the absence of conclusive functional and genetic evidence.

Labcorp Genetics (formerly Invitae), Labcorp
Classification: Uncertain significance. Last evaluated: 2022-06-27. Review status: criteria provided, single submitter. Criteria: Invitae Variant Classification Sherloc (09022015). Collection method: clinical testing. Allele origin: germline.
Comment: This sequence change replaces arginine, which is basic and polar, with threonine, which is neutral and polar, at codon 994 of the LRPPRC protein (p.Arg994Thr). This variant is not present in population databases (gnomAD no frequency). This variant has not been reported in the literature in individuals affected with LRPPRC-related conditions. ClinVar contains an entry for this variant (Variation ID: 426849). Algorithms developed to predict the effect of missense changes on protein structure and function (SIFT, PolyPhen-2, Align-GVGD) all suggest that this variant is likely to be tolerated. In summary, the available evidence is currently insufficient to determine the role of this variant in disease. Therefore, it has been classified as a Variant of Uncertain Significance.

GeneDx
Classification: Uncertain significance. Last evaluated: 2018-06-06. Review status: criteria provided, single submitter. Criteria: GeneDx Variant Classification (06012015). Collection method: clinical testing. Allele origin: germline. Affected: yes.
Comment: The R994T variant in the LRPPRC gene has not been reported previously as a pathogenic variant, nor as a benign variant, to our knowledge. This variant is not observed in large population cohorts (Lek et al., 2016; 1000 Genomes Consortium et al., 2015; Exome Variant Server). The R994T variant is a semi-conservative amino acid substitution, which may impact secondary protein structure as these residues differ in some properties. This substitution occurs at a position that is not conserved. In silico analysis is inconsistent in its predictions as to whether or not the variant is damaging to the protein structure/function. We interpret R994T as a variant of uncertain significance.

Geisinger Autism and Developmental Medicine Institute, Geisinger Health System
Classification: Uncertain significance for Congenital lactic acidosis, Saguenay-Lac-Saint-Jean type. Last evaluated: 2018-02-21. Review status: criteria provided, single submitter. Criteria: ACMG Guidelines, 2015. Collection method: provider interpretation, clinical testing. Allele origin: unknown. Affected: no. Observed: 1 variant allele.
Comment: The p.R994T variant is absent from the gnomAD database. Computational models predict the variant to be benign. Subsequent clinical testing showed normal brain MRI, lactate, and pyruvate levels, which is not consistent with French-Canadian Leigh syndrome.